The following is an entry in ClinVar:

ClinVar aggregate classification (germline): Uncertain significance (1 of 4 stars; one submission).

Allele frequency attached by ClinVar (database versions not stated): gnomAD exomes below 0.00001.
gnomAD v4.1: 1 of 1,613,818 alleles (0.000062%); highest among the groups gnomAD compares: Non-Finnish European, 0.000085%; no homozygotes.

Submission:

GeneDx
Classification: Uncertain significance. Last evaluated: 2022-05-12. Review status: criteria provided, single submitter. Criteria: GeneDx Variant Classification Process June 2021. Collection method: clinical testing. Allele origin: germline. Affected: yes.
Comment: Not observed at significant frequency in large population cohorts (gnomAD); In silico analysis supports that this missense variant does not alter protein structure/function; Has not been previously published as pathogenic or benign to our knowledge

NM_003073.5(SMARCB1):c.400A>C (p.Thr134Pro)

Gene: SMARCB1 (SWI/SNF related BAF chromatin remodeling complex subunit B1; plus strand). Cytogenetic location: 22q11.23.
Variant type: single nucleotide variant.
Coding change: c.400A>C on transcript NM_003073.5 (MANE Select); coding-DNA position 400, A replaced by C.
Protein change: p.Thr134Pro; replaces threonine 134 with proline.
Molecular consequence: missense variant.
Genome position (GRCh38, 1-based): chr22:23,800,981, A>C. VCF-style: chr22-23800981-A-C. GRCh37 (hg19) VCF-style: chr22-24143168-A-C.
Other names: c.373A>C, p.Thr125Pro (NM_001007468.3, NM_001317946.2); c.400A>C, p.Thr134Pro (NM_001362877.2); short protein forms T125P, T134P.
Identifiers: ClinVar variation 1723694 (VCV001723694.2), dbSNP rs2517679423, ClinGen allele CA410934370.
Genomic context (GRCh38, chr22:23,800,981, plus strand): 5'-GGACTTTTCTTGTATCTCCTCAGGGAACAGAAGGCCAAGAGGAACAGCCAGTGGGTACCC[A>C]CCCTGCCCAACAGCTCCCACCACTTAGATGCCGTGCCATGCTCCACAACCATCAACAGGA-3'
Protein context (NP_003064.2, residues 124-144): KAKRNSQWVP[Thr134Pro]LPNSSHHLDA